The following is an entry in ClinVar:

ClinVar aggregate classification (germline): Uncertain significance (1 of 4 stars; one submission).

Conditions:
Inborn genetic diseases. Identifiers: MedGen C0950123, MeSH D030342.

Submission:

Ambry Genetics
Classification: Uncertain significance for Inborn genetic diseases. Last evaluated: 2023-05-19. Review status: criteria provided, single submitter. Criteria: Ambry Variant Classification Scheme 2023. Collection method: clinical testing. Allele origin: germline.
Comment: The p.S2213T variant (also known as c.6638G>C), located in coding exon 45 of the LRRK2 gene, results from a G to C substitution at nucleotide position 6638. The serine at codon 2213 is replaced by threonine, an amino acid with similar properties. This amino acid position is conserved. In addition, this alteration is predicted to be tolerated by in silico analysis. Since supporting evidence is limited at this time, the clinical significance of this alteration remains unclear.

NM_198578.4(LRRK2):c.6638G>C (p.Ser2213Thr)

Gene: LRRK2 (leucine rich repeat kinase 2; plus strand). Cytogenetic location: 12q12.
Variant type: single nucleotide variant.
Coding change: c.6638G>C on transcript NM_198578.4 (MANE Select); coding-DNA position 6638, G replaced by C.
Protein change: p.Ser2213Thr; replaces serine 2213 with threonine.
Molecular consequence: missense variant.
Genome position (GRCh38, 1-based): chr12:40,354,360, G>C. VCF-style: chr12-40354360-G-C. GRCh37 (hg19) VCF-style: chr12-40748162-G-C.
Other names: short protein forms S2213T.
Identifiers: ClinVar variation 2567410 (VCV002567410.2), dbSNP rs2137006251, ClinGen allele CA384408977.
Genomic context (GRCh38, chr12:40,354,360, plus strand): 5'-AAGTTGCTGATAGTAGAATATTGTGCTTAGCCTTGGTGCATCTTCCTGTTGAAAAGGAAA[G>C]CTGGATTGTGTCTGGGACACAGTCTGGTACTCTCCTGGTCATCAATACCGAAGATGGGAA-3'
Protein context (NP_940980.4, residues 2203-2223): ALVHLPVEKE[Ser2213Thr]WIVSGTQSGT